The following is an entry in ClinVar:

ClinVar aggregate classification (germline): Conflicting classifications of pathogenicity. Review status: criteria provided, conflicting classifications (1 of 4 stars). 2 submissions from 2 submitters: Pathogenic (1); Uncertain significance (1). Last evaluated 2025-08-28.

Conditions:
GM1 gangliosidosis. Identifiers: Orphanet 354, MedGen C0085131, MONDO:0018149.
Mucopolysaccharidosis, MPS-IV-B (MPS4B). Also called: MORQUIO SYNDROME B; Mucopolysaccharidosis Type IVB (Morquio B Disease); Mucopolysaccharidosis type 4B; Mucopolysaccharidosis type IVB (Morquio); MPS IVB; Mucopolysaccharidosis type IV B. Identifiers: Orphanet 309310, Orphanet 582, MedGen C0086652, MONDO:0009660, OMIM 253010.

Allele frequency attached by ClinVar (database versions not stated): TOPMed below 0.00001; gnomAD exomes 0.00002; ExAC 0.00003.
gnomAD v4.1: 12 of 1,614,132 alleles (0.00074%); highest among the groups gnomAD compares: Non-Finnish European, 0.00093%; no homozygotes.

Submissions (2):

Women's Health and Genetics/Laboratory Corporation of America, LabCorp
Classification: Uncertain significance. Last evaluated: 2025-08-28. Review status: criteria provided, single submitter. Criteria: LabCorp Variant Classification Summary - May 2015. Collection method: clinical testing. Allele origin: germline.
Comment: Variant summary: GLB1 c.1442G>A (p.Gly481Glu) results in a non-conservative amino acid change located in the Beta-galactosidase 1-like , first all-beta domain (IPR048912) of the encoded protein sequence. Algorithms developed to predict the effect of missense changes on protein structure and function all suggest that this variant is likely to be disruptive. The variant allele was found at a frequency of 1.6e-05 in 249586 control chromosomes. The available data on variant occurrences in the general population are insufficient to allow any conclusion about variant significance. These report(s) do not provide unequivocal conclusions about association of the variant with Mucopolysaccharidosis Type IVB (Morquio Syndrome B). To our knowledge, no experimental evidence demonstrating an impact on protein function has been reported. ClinVar contains an entry for this variant (Variation ID: 1430566). Based on the evidence outlined above, the variant was classified as uncertain significance.

Labcorp Genetics (formerly Invitae), Labcorp
Classification: Pathogenic for Mucopolysaccharidosis, MPS-IV-B; GM1 gangliosidosis. Last evaluated: 2024-02-05. Review status: criteria provided, single submitter. Criteria: Invitae Variant Classification Sherloc (09022015). Collection method: clinical testing. Allele origin: germline.
Comment: This sequence change replaces glycine, which is neutral and non-polar, with glutamic acid, which is acidic and polar, at codon 481 of the GLB1 protein (p.Gly481Glu). This variant is present in population databases (rs747812191, gnomAD 0.003%). This missense change has been observed in individual(s) with GLB1-related conditions (Invitae). In at least one individual the data is consistent with being in trans (on the opposite chromosome) from a pathogenic variant. ClinVar contains an entry for this variant (Variation ID: 1430566). Advanced modeling of protein sequence and biophysical properties (such as structural, functional, and spatial information, amino acid conservation, physicochemical variation, residue mobility, and thermodynamic stability) performed at Invitae indicates that this missense variant is expected to disrupt GLB1 protein function with a positive predictive value of 95%. For these reasons, this variant has been classified as Pathogenic.

NM_000404.4(GLB1):c.1442G>A (p.Gly481Glu)

Gene: GLB1 (galactosidase beta 1; minus strand). Cytogenetic location: 3p22.3.
Variant type: single nucleotide variant.
Coding change: c.1442G>A on transcript NM_000404.4 (MANE Select); coding-DNA position 1442, G replaced by A.
Protein change: p.Gly481Glu; replaces glycine 481 with glutamic acid.
Molecular consequence: missense variant.
Genome position (GRCh38, 1-based): chr3:33,016,746, C>T on the plus strand (G>A on the coding strand, the complement: GLB1 is on the minus strand). VCF-style: chr3-33016746-C-T. GRCh37 (hg19) VCF-style: chr3-33058238-C-T.
Other names: c.1352G>A, p.Gly451Glu (NM_001079811.3); c.1049G>A, p.Gly350Glu (NM_001135602.3); c.1586G>A, p.Gly529Glu (NM_001317040.2); c.1442G>A, p.Gly481Glu (NM_001393580.1); short protein forms G350E, G451E, G529E, G481E.
Identifiers: ClinVar variation 1430566 (VCV001430566.9), dbSNP rs747812191, ClinGen allele CA2299388.